The following is an entry in ClinVar:

NM_000018.4(ACADVL):c.1591C>T (p.Arg531Trp)

Gene: ACADVL (acyl-CoA dehydrogenase very long chain; plus strand). Cytogenetic location: 17p13.1.
Variant type: single nucleotide variant.
Coding change: c.1591C>T on transcript NM_000018.4 (MANE Select); coding-DNA position 1591, C replaced by T.
Protein change: p.Arg531Trp; replaces arginine 531 with tryptophan.
Molecular consequence: missense variant.
Genome position (GRCh38, 1-based): chr17:7,224,379, C>T. VCF-style: chr17-7224379-C-T. GRCh37 (hg19) VCF-style: chr17-7127698-C-T.
Other names: NM_000018.4(ACADVL):c.1591C>T; c.1525C>T, p.Arg509Trp (NM_001033859.3); c.1660C>T, p.Arg554Trp (NM_001270447.2); c.1363C>T, p.Arg455Trp (NM_001270448.2); short protein forms R531W, R455W, R509W, R554W.
Identifiers: ClinVar variation 166647 (VCV000166647.79), dbSNP rs146379816, ClinGen allele CA233436.

ClinVar aggregate classification (germline): Uncertain significance. Review status: reviewed by expert panel (3 of 4 stars). 16 submissions from 16 submitters: Uncertain significance (1). 15 of the submissions do not count toward it. Last evaluated 2025-12-31.

Conditions:
Inborn genetic diseases. Identifiers: MedGen C0950123, MeSH D030342.
ACADVL-related disorder. Also called: ACADVL-related condition.
Very long chain acyl-CoA dehydrogenase deficiency (ACADVLD). Also called: VLCAD Deficiency; Very Long-Chain Acyl-Coenzyme A Dehydrogenase Deficiency. Identifiers: Orphanet 26793, MedGen C3887523, MONDO:0008723, OMIM 201475.

Allele frequency attached by ClinVar (database versions not stated): gnomAD 0.00036 and 0.00039; TOPMed 0.00039; 1000 Genomes Project 0.00020; 1000 Genomes Project 30x 0.00016; gnomAD exomes 0.00044 and 0.00086; ExAC 0.00048; ESP Exome Variant Server 0.00054.
gnomAD v4.1: 1,299 of 1,613,786 alleles (0.08%); highest among the groups gnomAD compares: Non-Finnish European, 0.1%; no homozygotes.

Submissions 1 to 7 of 16:

ClinGen ACADVL Variant Curation Expert Panel, ClinGen
Classification: Uncertain significance for Very long chain acyl-CoA dehydrogenase deficiency. Last evaluated: 2025-12-31. Review status: reviewed by expert panel. Criteria: clingen acadvl acmg specifications v1. Collection method: curation. Allele origin: germline. Inheritance: Autosomal recessive inheritance.
Comment: The c.1591C>T (NM_000018.4) variant in ACADVL is a missense variant predicted to cause substitution of arginine by tryptophan at amino acid 531 (p.Arg531Trp) The highest population minor allele frequency in gnomAD v4.1 is 0.001 in the European-Non Finnish population. PM2_Supporting, BS1, and BA1 are not met The computational predictor REVEL gives a score of 0.52, which is neither above nor below the thresholds predicting a damaging or benign impact on ACADVL function. One patient compound heterozygous for this variant displayed increased C14:1 levels (PMID: 35281659), and three compound heterozygous patients displayed reduced enzyme levels (PMID: 21932095, 31031081, 28468868) which is highly specific for VLCAD deficiency (PP4). This variant has been detected in at least 2 individuals with very long chain acyl CoA dehydrogenase (VLCAD) deficiency. Of those individuals, one was compound heterozygous for the variant and a likely pathogenic variant, not confirmed in trans (0.25 points, PMID: 21932095, PM3 not met). Due to limited evidence, this variant is classified as a variant of uncertain significance for autosomal recessive very long chain acyl-CoA dehydrogenase (VLCAD) deficiency based on the ACMG/AMP criteria applied, as specified by the ClinGen ACADVL Variant Curation Expert Panel: PP4. (ACADVL VCEP Specifications Version 1; Approved November 8, 2021)

Labcorp Genetics (formerly Invitae), Labcorp
Classification: Pathogenic for Very long chain acyl-CoA dehydrogenase deficiency. Last evaluated: 2026-02-01. Review status: criteria provided, single submitter. Criteria: Invitae Variant Classification Sherloc (09022015). Collection method: clinical testing. Allele origin: germline. Not counted in ClinVar's aggregate classification.
Comment: This sequence change replaces arginine, which is basic and polar, with tryptophan, which is neutral and slightly polar, at codon 531 of the ACADVL protein (p.Arg531Trp). This variant is present in population databases (rs146379816, gnomAD 0.08%), and has an allele count higher than expected for a pathogenic variant. This missense change has been observed in individual(s) with very long-chain acyl-CoA dehydrogenase deficiency (PMID: 21932095, 31031081; internal data). In at least one individual the data is consistent with being in trans (on the opposite chromosome) from a pathogenic variant. This variant is also known as p.Arg491Trp. ClinVar contains an entry for this variant (Variation ID: 166647). Invitae Evidence Modeling of protein sequence and biophysical properties (such as structural, functional, and spatial information, amino acid conservation, physicochemical variation, residue mobility, and thermodynamic stability) indicates that this missense variant is not expected to disrupt ACADVL protein function with a negative predictive value of 80%. This variant disrupts the p.Arg531 amino acid residue in ACADVL. Other variant(s) that disrupt this residue have been observed in individuals with ACADVL-related conditions (PMID: 27209629), which suggests that this may be a clinically significant amino acid residue. For these reasons, this variant has been classified as Pathogenic.

PreventionGenetics, part of Exact Sciences
Classification: Uncertain significance for ACADVL-related condition. Last evaluated: 2026-01-30. Review status: criteria provided, single submitter. Criteria: ACMG Guidelines, 2015. Collection method: clinical testing. Allele origin: germline. Not counted in ClinVar's aggregate classification.
Comment: The ACADVL c.1591C>T variant is predicted to result in the amino acid substitution p.Arg531Trp. This variant has been reported with an additional ACADVL variant in individuals with clinical and biochemical characteristics of very long-chain acyl-CoA dehydrogenase deficiency (VLCADD) (described as R491W in Hoffmann et al. 2012. PubMed ID: 21932095; Rovelli et al. 2019. PubMed ID: 31031081; Olsson et al. 2022. PubMed ID: 35281659). This variant has also been reported in an individual with possible VLCADD but no second variant was identified (Ghosh et al. 2017. PubMed ID: 28468868). One patient, who also carried a pathogenic splice variant designated IVS12+1G>A (c.1269+1G>A), had enzyme activity in lymphocytes that was measured at ~21% of control; however, patients heterozygous for the c.1269+1G>A splice variant but without a second identified ACADVL variant were reported to have enzyme activities of ~30% of control, suggesting the c.1591C>T variant may have only a very mild effect on ACADVL enzyme activity (Hoffmann et al. 2012. PubMed ID: 21932095). This variant is reported in 0.076% of alleles in individuals of European (non-Finnish) descent in gnomAD. This variant has conflicting interpretations in the ClinVar database, ranging from uncertain to pathogenic. A different substitution at the same amino acid (p.Arg531Leu) has been reported along with a different pathogenic ACADVL variant in an asymptomatic patient identified via newborn screening (Pena et al. 2016. PubMed ID: 27209629). Although we suspect that the c.1591C>T (p.Arg531Trp) variant could be pathogenic, at this time its clinical significance is uncertain due to the absence of conclusive functional and genetic data.

Variantyx, Inc.
Classification: Likely pathogenic for Very long chain acyl-CoA dehydrogenase deficiency. Last evaluated: 2025-04-09. Review status: criteria provided, single submitter. Criteria: Variantyx Assertion Criteria 2022. Collection method: clinical testing. Allele origin: germline. Inheritance: Autosomal recessive inheritance. Affected: no. Not counted in ClinVar's aggregate classification.
Comment: This is a nonsynonymous variant in the ACADVL gene (OMIM: 609575). Pathogenic variants in this gene have been associated with autosomal recessive very long-chain acyl-CoA dehydrogenase deficiency. This variant has been identified in the compound heterozygous state in multiple individuals reported in the published literature (PMID: 21932095, 31031081, 35281659) (PM3_Strong). The alteration lies within a known hotspot for pathogenic variants or a well-established critical functional domain of the ACADVL protein (PM1). This variant has a 0.1034% maximum allele frequency in non-founder control populations (PM2). Computational algorithms produce conflicting evidence regarding the predicted functional impact of this variant (REVEL score: 0.522). Based on the current evidence, this variant is classified as likely pathogenic for autosomal recessive very long-chain acyl-CoA dehydrogenase deficiency.

Revvity Omics, Revvity
Classification: Uncertain significance for Very long chain acyl-CoA dehydrogenase deficiency. Last evaluated: 2025-03-05. Review status: criteria provided, single submitter. Criteria: ACMG Guidelines, 2015. Collection method: clinical testing. Allele origin: germline. Not counted in ClinVar's aggregate classification.

Women's Health and Genetics/Laboratory Corporation of America, LabCorp
Classification: Likely pathogenic for Very long chain acyl-CoA dehydrogenase deficiency. Last evaluated: 2025-03-04. Review status: criteria provided, single submitter. Criteria: LabCorp Variant Classification Summary - May 2015. Collection method: clinical testing. Allele origin: germline. Not counted in ClinVar's aggregate classification.
Comment: Variant summary: ACADVL c.1591C>T (p.Arg531Trp) results in a non-conservative amino acid change located in the ACAD9/ACADV-like, C-terminal domain (IPR049448) of the encoded protein sequence. Five of five in-silico tools predict a damaging effect of the variant on protein function. The variant allele was found at a frequency of 0.00044 in 250116 control chromosomes (gnomAD). This frequency is not significantly higher than estimated for a pathogenic variant in ACADVL causing Very Long Chain Acyl-CoA Dehydrogenase Deficiency (0.00044 vs 0.0029), allowing no conclusion about variant significance. c.1591C>T has been reported in the literature in individuals affected with Very Long Chain Acyl-CoA Dehydrogenase Deficiency (e.g. Hoffmann_2012, Rovelli_2019, Olsson_2022, Labcorp Genetics (formerly Invitae)). These data indicate that the variant is likely to be associated with disease. To our knowledge, no experimental evidence demonstrating an impact on protein function has been reported. The following publications have been ascertained in the context of this evaluation (PMID: 21932095, 28468868, 26385305, 31031081, 35281659, 34437764, 32778825). ClinVar contains an entry for this variant (Variation ID: 166647). Based on the evidence outlined above, the variant was classified as likely pathogenic.

Myriad Genetics, Inc.
Classification: Likely pathogenic for Very long chain acyl-CoA dehydrogenase deficiency. Last evaluated: 2024-08-26. Review status: criteria provided, single submitter. Criteria: Myriad Autosomal Dominant, Autosomal Recessive and X-Linked Classification Criteria (2023). Collection method: clinical testing. Allele origin: unknown. Not counted in ClinVar's aggregate classification.
Comment: NM_000018.3(ACADVL):c.1591C>T(R531W) is a missense variant classified as likely pathogenic in the context of very-long-chain acyl-CoA dehydrogenase deficiency. R531W has been observed in cases with relevant disease (PMID: 21932095, 35281659, 31031081, 28468868, 26385305 and 32778825). Relevant functional assessments of this variant are not available in the literature. R531W has been observed in referenced population frequency databases. Please note: this variant was assessed in the context of healthy population screening.